The following is an entry in ClinVar:

NM_004484.4(GPC3):c.1471G>T (p.Glu491Ter)

Gene: GPC3 (glypican 3; minus strand). Cytogenetic location: Xq26.2.
Variant type: single nucleotide variant.
Coding change: c.1471G>T on transcript NM_004484.4 (MANE Select); coding-DNA position 1471, G replaced by T.
Protein change: p.Glu491Ter; replaces glutamic acid 491 with a stop codon.
Molecular consequence: nonsense.
Genome position (GRCh38, 1-based): chrX:133,596,542, C>A on the plus strand (G>T on the coding strand, the complement: GPC3 is on the minus strand). VCF-style: chrX-133596542-C-A. GRCh37 (hg19) VCF-style: chrX-132730570-C-A.
Other names: c.1540G>T, p.Glu514Ter (NM_001164617.2); c.1423G>T, p.Glu475Ter (NM_001164618.2); c.1309G>T, p.Glu437Ter (NM_001164619.2); short protein forms E491*, E437*, E514*, E475*.
Identifiers: ClinVar variation 565351 (VCV000565351.7), dbSNP rs1569392947, ClinGen allele CA414701360.

ClinVar aggregate classification (germline): Pathogenic (1 of 4 stars; one submission).

Conditions:
Wilms tumor 1 (WT1). Also called: Wilms tumor, somatic. Identifiers: Orphanet 654, MedGen CN033288, MONDO:0008679, OMIM 194070.

Submission:

Labcorp Genetics (formerly Invitae), Labcorp
Classification: Pathogenic for Wilms tumor 1. Last evaluated: 2022-09-10. Review status: criteria provided, single submitter. Criteria: Invitae Variant Classification Sherloc (09022015). Collection method: clinical testing. Allele origin: germline.
Comment: For these reasons, this variant has been classified as Pathogenic. Algorithms developed to predict the effect of sequence changes on RNA splicing suggest that this variant may create or strengthen a splice site. ClinVar contains an entry for this variant (Variation ID: 565351). This variant has not been reported in the literature in individuals affected with GPC3-related conditions. This variant is not present in population databases (gnomAD no frequency). This sequence change creates a premature translational stop signal (p.Glu491*) in the GPC3 gene. It is expected to result in an absent or disrupted protein product. Loss-of-function variants in GPC3 are known to be pathogenic (PMID: 10402475, 12713262, 17603795).

Literature cited by the submitters: PubMed 10402475; PubMed 12713262; PubMed 17603795.